The following is an entry in ClinVar:

ClinVar aggregate classification (germline): Uncertain significance (1 of 4 stars; one submission).

Conditions:
Neonatal-onset encephalopathy with rigidity and seizures. Also called: Lethal neonatal spasticity-epileptic encephalopathy syndrome. Identifiers: Orphanet 435845, MedGen C3281029, MONDO:0013784, OMIM 614498.

Allele frequency attached by ClinVar (database versions not stated): gnomAD exomes below 0.00001; gnomAD 0.00001 and 0.00002; TOPMed 0.00001; ExAC 0.00002.
gnomAD v4.1: 4 of 1,611,228 alleles (0.00025%); highest among the groups gnomAD compares: African/African-American, 0.0013%; no homozygotes.

Submission:

Labcorp Genetics (formerly Invitae), Labcorp
Classification: Uncertain significance for Neonatal-onset encephalopathy with rigidity and seizures. Last evaluated: 2022-06-25. Review status: criteria provided, single submitter. Criteria: Invitae Variant Classification Sherloc (09022015). Collection method: clinical testing. Allele origin: germline.
Comment: This sequence change replaces methionine, which is neutral and non-polar, with valine, which is neutral and non-polar, at codon 569 of the BRAT1 protein (p.Met569Val). This variant is present in population databases (rs746097785, gnomAD 0.0009%). This variant has not been reported in the literature in individuals affected with BRAT1-related conditions. ClinVar contains an entry for this variant (Variation ID: 1063843). Algorithms developed to predict the effect of missense changes on protein structure and function output the following: SIFT: "Tolerated"; PolyPhen-2: "Benign"; Align-GVGD: "Class C0". The valine amino acid residue is found in multiple mammalian species, which suggests that this missense change does not adversely affect protein function. In summary, the available evidence is currently insufficient to determine the role of this variant in disease. Therefore, it has been classified as a Variant of Uncertain Significance.

NM_152743.4(BRAT1):c.1705A>G (p.Met569Val)

Gene: BRAT1 (BRCA1 associated ATM activator 1; minus strand). Cytogenetic location: 7p22.3.
Variant type: single nucleotide variant.
Coding change: c.1705A>G on transcript NM_152743.4 (MANE Select); coding-DNA position 1705, A replaced by G.
Protein change: p.Met569Val; replaces methionine 569 with valine.
Molecular consequence: missense variant. On other transcripts: non-coding transcript variant (1).
Genome position (GRCh38, 1-based): chr7:2,539,244, T>C on the plus strand (A>G on the coding strand, the complement: BRAT1 is on the minus strand). VCF-style: chr7-2539244-T-C. GRCh37 (hg19) VCF-style: chr7-2578878-T-C.
Other names: c.1705A>G, p.Met569Val (NM_001350626.2); c.1180A>G, p.Met394Val (NM_001350627.2); short protein forms M394V, M569V.
Identifiers: ClinVar variation 1063843 (VCV001063843.6), dbSNP rs746097785, ClinGen allele CA4127620.